The following is an entry in ClinVar:

NM_001079802.2(FKTN):c.-108A>T

Gene: FKTN (fukutin; plus strand). Cytogenetic location: 9q31.2.
Variant type: single nucleotide variant.
Coding change: c.-108A>T on transcript NM_001079802.2 (MANE Select); 108 bases upstream of the start codon, A replaced by T.
Molecular consequence: 5 prime UTR variant. On other transcripts: non-coding transcript variant (1), intron variant (3).
Genome position (GRCh38, 1-based): chr9:105,573,727, A>T. VCF-style: chr9-105573727-A-T. GRCh37 (hg19) VCF-style: chr9-108336008-A-T.
Other names: c.-108A>T (NM_001198963.2); c.-243A>T (NM_001351496.2); c.-410A>T (NM_001351497.2); c.-757A>T (NM_001351499.2); c.-622A>T (NM_001351500.2); c.-703A>T (NM_001351502.2); c.-88-1218A>T (NM_006731.2, NM_001351498.2); c.-602-1218A>T (NM_001351501.2).
Identifiers: ClinVar variation 137382 (VCV000137382.1), dbSNP rs191502146, ClinGen allele CA290939.

ClinVar aggregate classification (germline): Benign (1 of 4 stars; one submission).

Allele frequency attached by ClinVar (database versions not stated): 1000 Genomes Project 0.00539; gnomAD 0.00564 and 0.00604; 1000 Genomes Project 30x 0.00593; TOPMed 0.00603.

Submission:

GeneDx
Classification: Benign. Last evaluated: 2014-04-07. Review status: criteria provided, single submitter. Criteria: GeneDx Variant Classification (06012015). Collection method: clinical testing. Allele origin: germline. Affected: yes.
Comment: This variant is considered likely benign or benign based on one or more of the following criteria: it is a conservative change, it occurs at a poorly conserved position in the protein, it is predicted to be benign by multiple in silico algorithms, and/or has population frequency not consistent with disease.